The following is an entry in ClinVar:

ClinVar aggregate classification (germline): Uncertain significance (1 of 4 stars; one submission).

Submission:

CeGaT Center for Human Genetics Tuebingen
Classification: Uncertain significance. Last evaluated: 2025-05-01. Review status: criteria provided, single submitter. Criteria: CeGaT Center For Human Genetics Tuebingen Variant Classification Criteria Version 2. Collection method: clinical testing. Allele origin: germline. Affected: yes. Observed: 1 variant allele.
Comment: SHH: PM2, PVS1:Moderate

NM_000193.4(SHH):c.477_562+1dup

Gene: SHH (sonic hedgehog signaling molecule; minus strand). Cytogenetic location: 7q36.3.
Variant type: Duplication.
Coding change: c.477_562+1dup on transcript NM_000193.4 (MANE Select); coding-DNA position 477 through the canonical splice donor site of the intron after coding-DNA position 562, 87 bases duplicated.
Molecular consequence: splice donor variant.
Genome position (GRCh38, 1-based): chr7:155,806,295-155,806,381, 87 bases duplicated. GRCh37 (hg19): chr7:155,598,991-155,599,077.
Other names: c.216_301+1dup (NM_001310462.2).
Identifiers: ClinVar variation 3905806 (VCV003905806.10).